The following is an entry in ClinVar:

NM_182914.3(SYNE2):c.17526G>C (p.Glu5842Asp)

Gene: SYNE2 (spectrin repeat containing nuclear envelope protein 2; plus strand). Cytogenetic location: 14q23.2.
Variant type: single nucleotide variant.
Coding change: c.17526G>C on transcript NM_182914.3 (MANE Select); coding-DNA position 17526, G replaced by C.
Protein change: p.Glu5842Asp; replaces glutamic acid 5842 with aspartic acid.
Molecular consequence: missense variant.
Genome position (GRCh38, 1-based): chr14:64,177,453, G>C. VCF-style: chr14-64177453-G-C. GRCh37 (hg19) VCF-style: chr14-64644171-G-C.
Other names: c.17526G>C, p.Glu5842Asp (NM_015180.6); short protein forms E5842D.
Identifiers: ClinVar variation 3626368 (VCV003626368.2).

ClinVar aggregate classification (germline): Uncertain significance (1 of 4 stars; one submission).

Conditions:
Emery-Dreifuss muscular dystrophy 5, autosomal dominant (EDMD5). Also called: EMERY-DREIFUSS MUSCULAR DYSTROPHY 5. Identifiers: Orphanet 261, MedGen C2751805, MONDO:0013072, OMIM 612999.

Submission:

Labcorp Genetics (formerly Invitae), Labcorp
Classification: Uncertain significance for Emery-Dreifuss muscular dystrophy 5, autosomal dominant. Last evaluated: 2024-05-18. Review status: criteria provided, single submitter. Criteria: Invitae Variant Classification Sherloc (09022015). Collection method: clinical testing. Allele origin: germline.
Comment: This sequence change replaces glutamic acid, which is acidic and polar, with aspartic acid, which is acidic and polar, at codon 5842 of the SYNE2 protein (p.Glu5842Asp). This variant is not present in population databases (gnomAD no frequency). This variant has not been reported in the literature in individuals affected with SYNE2-related conditions. An algorithm developed to predict the effect of missense changes on protein structure and function (PolyPhen-2) suggests that this variant is likely to be disruptive. In summary, the available evidence is currently insufficient to determine the role of this variant in disease. Therefore, it has been classified as a Variant of Uncertain Significance.